The following is an entry in ClinVar:

ClinVar aggregate classification (germline): Uncertain significance. Review status: criteria provided, multiple submitters, no conflicts (2 of 4 stars). 2 submissions from 2 submitters: Uncertain significance (2). Last evaluated 2025-05-14.

Conditions:
Cerebral cavernous malformations 5. Identifiers: MedGen C5975541, MONDO:0975952, OMIM 621032.

gnomAD v4.1: 34 of 1,613,904 alleles (0.0021%); highest among the groups gnomAD compares: Admixed American, 0.053%; no homozygotes.

Submissions (2):

Clinical Genomics Laboratory, Washington University in St. Louis
Classification: Uncertain significance for Cerebral cavernous malformations 5. Last evaluated: 2025-05-14. Review status: criteria provided, single submitter. Criteria: ACMG Guidelines, 2015. Collection method: clinical testing. Allele origin: germline.
Comment: A MAP3K3 c.1570A>G (p.Met524Val) variant was identified at a near heterozygous allelic fraction of 48.9%, a frequency which may be consistent with it being of germline origin. This variant, to our knowledge, has not been previously reported in the medical literature. This variant is observed in 34/1,613,904 alleles in the general population (gnomAD v4.1.0). Computational predictors suggest that the variant does not impact MAP3K3 function. Due to limited information, and based on ACMG/AMP guidelines for variant interpretation (Richards S et al., PMID: 25741868), the clinical significance of the MAP3K3 c.1570A>G (p.Met524Val) variant is uncertain at this time.

Ambry Genetics
Classification: Uncertain significance. Last evaluated: 2025-02-10. Review status: criteria provided, single submitter. Criteria: Ambry Variant Classification Scheme 2023. Collection method: clinical testing. Allele origin: germline.

NM_002401.5(MAP3K3):c.1570A>G (p.Met524Val)

Gene: MAP3K3 (mitogen-activated protein kinase kinase kinase 3; plus strand). Cytogenetic location: 17q23.3.
Variant type: single nucleotide variant.
Coding change: c.1570A>G on transcript NM_002401.5 (MANE Select); coding-DNA position 1570, A replaced by G.
Protein change: p.Met524Val; replaces methionine 524 with valine.
Molecular consequence: missense variant.
Genome position (GRCh38, 1-based): chr17:63,692,337, A>G. VCF-style: chr17-63692337-A-G. GRCh37 (hg19) VCF-style: chr17-61769697-A-G.
Other names: c.1558A>G, p.Met520Val (NM_001330431.2); c.1651A>G, p.Met551Val (NM_001363768.2); c.1663A>G, p.Met555Val (NM_203351.3); short protein forms M524V, M520V, M551V, M555V.
Identifiers: ClinVar variation 3870212 (VCV003870212.2).
Genomic context (GRCh38, chr17:63,692,337, plus strand): 5'-AAGCTGGGGGACTTTGGGGCCAGCAAACGCCTGCAGACGATCTGTATGTCGGGGACGGGC[A>G]TGCGCTCCGTCACTGGCACACCCTACTGGATGAGCCCTGAGGTGATCAGCGGCGAGGGCT-3'
Protein context (NP_002392.2, residues 514-534): LQTICMSGTG[Met524Val]RSVTGTPYWM